The following is an entry in ClinVar:

ClinVar aggregate classification (germline): Uncertain significance (1 of 4 stars; one submission).

gnomAD v4.1: 3 of 1,594,572 alleles (0.00019%); highest among the groups gnomAD compares: African/African-American, 0.0027%; no homozygotes.

Submission:

GeneDx
Classification: Uncertain significance. Last evaluated: 2024-10-03. Review status: criteria provided, single submitter. Criteria: GeneDx Variant Classification Process June 2021. Collection method: clinical testing. Allele origin: germline. Affected: yes.
Comment: Not observed at significant frequency in large population cohorts (gnomAD); Missense variants in this gene are a common cause of disease and they are underrepresented in the general population; In silico analysis supports that this missense variant has a deleterious effect on protein structure/function; This variant is associated with the following publications: (PMID: 31277073, 37493574)

NM_000348.4(SRD5A2):c.457T>C (p.Phe153Leu)

Gene: SRD5A2 (steroid 5 alpha-reductase 2; minus strand). Cytogenetic location: 2p23.1.
Variant type: single nucleotide variant.
Coding change: c.457T>C on transcript NM_000348.4 (MANE Select); coding-DNA position 457, T replaced by C.
Protein change: p.Phe153Leu; replaces phenylalanine 153 with leucine.
Molecular consequence: missense variant.
Genome position (GRCh38, 1-based): chr2:31,531,461, A>G on the plus strand (T>C on the coding strand, the complement: SRD5A2 is on the minus strand). VCF-style: chr2-31531461-A-G. GRCh37 (hg19) VCF-style: chr2-31756531-A-G.
Other names: short protein forms F153L.
Identifiers: ClinVar variation 3776416 (VCV003776416.1).